The following is an entry in ClinVar:

NM_000350.3(ABCA4):c.2452G>A (p.Gly818Arg)

Gene: ABCA4 (ATP binding cassette subfamily A member 4; minus strand). Cytogenetic location: 1p22.1.
Variant type: single nucleotide variant.
Coding change: c.2452G>A on transcript NM_000350.3 (MANE Select); coding-DNA position 2452, G replaced by A.
Protein change: p.Gly818Arg; replaces glycine 818 with arginine.
Molecular consequence: missense variant.
Genome position (GRCh38, 1-based): chr1:94,055,246, C>T on the plus strand (G>A on the coding strand, the complement: ABCA4 is on the minus strand). VCF-style: chr1-94055246-C-T. GRCh37 (hg19) VCF-style: chr1-94520802-C-T.
Other names: c.2230G>A, p.Gly744Arg (NM_001425324.1); short protein forms G744R, G818R.
Identifiers: ClinVar variation 2818781 (VCV002818781.4), dbSNP rs2523817213, ClinGen allele CA341277059.

ClinVar aggregate classification (germline): Conflicting classifications of pathogenicity. Review status: criteria provided, conflicting classifications (1 of 4 stars). 2 submissions from 2 submitters: Likely pathogenic (1); Uncertain significance (1). Last evaluated 2023-12-12.

Allele frequency attached by ClinVar (database versions not stated): gnomAD exomes below 0.00001.
gnomAD v4.1: 1 of 1,614,176 alleles (0.000062%); highest among the groups gnomAD compares: Non-Finnish European, 0.000085%; no homozygotes.

Submissions (2):

Blueprint Genetics
Classification: Uncertain significance. Last evaluated: 2023-12-12. Review status: criteria provided, single submitter. Criteria: ACMG Guidelines, 2015. Collection method: clinical testing. Allele origin: germline.

Labcorp Genetics (formerly Invitae), Labcorp
Classification: Likely pathogenic. Last evaluated: 2023-09-18. Review status: criteria provided, single submitter. Criteria: Invitae Variant Classification Sherloc (09022015). Collection method: clinical testing. Allele origin: germline.
Comment: In summary, the currently available evidence indicates that the variant is pathogenic, but additional data are needed to prove that conclusively. Therefore, this variant has been classified as Likely Pathogenic. This variant disrupts the p.Gly818 amino acid residue in ABCA4. Other variant(s) that disrupt this residue have been determined to be pathogenic (PMID: 9054934, 9973280, 10090887, 14709597, 23419329). This suggests that this residue is clinically significant, and that variants that disrupt this residue are likely to be disease-causing. Advanced modeling of protein sequence and biophysical properties (such as structural, functional, and spatial information, amino acid conservation, physicochemical variation, residue mobility, and thermodynamic stability) performed at Invitae indicates that this missense variant is expected to disrupt ABCA4 protein function. This variant has not been reported in the literature in individuals affected with ABCA4-related conditions. This variant is not present in population databases (gnomAD no frequency). This sequence change replaces glycine, which is neutral and non-polar, with arginine, which is basic and polar, at codon 818 of the ABCA4 protein (p.Gly818Arg).

Literature cited by the submitters: PubMed 9054934 (cited by Labcorp Genetics (formerly Invitae), Labcorp); PubMed 9973280 (cited by Labcorp Genetics (formerly Invitae), Labcorp); PubMed 10090887 (cited by Labcorp Genetics (formerly Invitae), Labcorp); PubMed 14709597 (cited by Labcorp Genetics (formerly Invitae), Labcorp); PubMed 23419329 (cited by Labcorp Genetics (formerly Invitae), Labcorp).